The following is an entry in ClinVar:

NM_003664.5(AP3B1):c.1193A>G (p.Asn398Ser)

Gene: AP3B1 (adaptor related protein complex 3 subunit beta 1; minus strand). Cytogenetic location: 5q14.1.
Variant type: single nucleotide variant.
Coding change: c.1193A>G on transcript NM_003664.5 (MANE Select); coding-DNA position 1193, A replaced by G.
Protein change: p.Asn398Ser; replaces asparagine 398 with serine.
Molecular consequence: missense variant.
Genome position (GRCh38, 1-based): chr5:78,165,647, T>C on the plus strand (A>G on the coding strand, the complement: AP3B1 is on the minus strand). VCF-style: chr5-78165647-T-C. GRCh37 (hg19) VCF-style: chr5-77461471-T-C.
Other names: c.1046A>G, p.Asn349Ser (NM_001271769.2); short protein forms N349S, N398S.
Identifiers: ClinVar variation 645618 (VCV000645618.8), dbSNP rs759936403, ClinGen allele CA3317144.

ClinVar aggregate classification (germline): Uncertain significance (1 of 4 stars; one submission).

Conditions:
Hermansky-Pudlak syndrome 2 (HPS2). Also called: Platelet defects and oculocutaneous albinism. Identifiers: Orphanet 183678, Orphanet 79430, MedGen C1842362, MONDO:0011997, OMIM 608233.

Allele frequency attached by ClinVar (database versions not stated): gnomAD exomes below 0.00001 and 0.00001; ExAC 0.00001.
gnomAD v4.1: 8 of 1,608,686 alleles (0.0005%); highest among the groups gnomAD compares: Non-Finnish European, 0.00068%; no homozygotes.

Submission:

Labcorp Genetics (formerly Invitae), Labcorp
Classification: Uncertain significance for Hermansky-Pudlak syndrome 2. Last evaluated: 2022-06-02. Review status: criteria provided, single submitter. Criteria: Invitae Variant Classification Sherloc (09022015). Collection method: clinical testing. Allele origin: germline.
Comment: In summary, the available evidence is currently insufficient to determine the role of this variant in disease. Therefore, it has been classified as a Variant of Uncertain Significance. Algorithms developed to predict the effect of missense changes on protein structure and function (SIFT, PolyPhen-2, Align-GVGD) all suggest that this variant is likely to be tolerated. ClinVar contains an entry for this variant (Variation ID: 645618). This variant has not been reported in the literature in individuals affected with AP3B1-related conditions. This variant is present in population databases (rs759936403, gnomAD 0.0009%). This sequence change replaces asparagine, which is neutral and polar, with serine, which is neutral and polar, at codon 398 of the AP3B1 protein (p.Asn398Ser).